The following is an entry in ClinVar:

ClinVar aggregate classification (germline): Uncertain significance (1 of 4 stars; one submission).

Conditions:
Lethal congenital glycogen storage disease of heart. Also called: GLYCOGEN STORAGE DISEASE OF HEART; PHOSPHORYLASE KINASE DEFICIENCY OF HEART. Identifiers: Orphanet 439854, MedGen C1849813, MONDO:0009867, OMIM 261740.

Allele frequency attached by ClinVar (database versions not stated): gnomAD 0.00001.

Submission:

Labcorp Genetics (formerly Invitae), Labcorp
Classification: Uncertain significance for Lethal congenital glycogen storage disease of heart. Last evaluated: 2023-01-02. Review status: criteria provided, single submitter. Criteria: Invitae Variant Classification Sherloc (09022015). Collection method: clinical testing. Allele origin: germline.
Comment: This sequence change replaces alanine, which is neutral and non-polar, with aspartic acid, which is acidic and polar, at codon 240 of the PRKAG2 protein (p.Ala240Asp). This variant is not present in population databases (gnomAD no frequency). This variant has not been reported in the literature in individuals affected with PRKAG2-related conditions. Advanced modeling of protein sequence and biophysical properties (such as structural, functional, and spatial information, amino acid conservation, physicochemical variation, residue mobility, and thermodynamic stability) performed at Invitae indicates that this missense variant is not expected to disrupt PRKAG2 protein function. In summary, the available evidence is currently insufficient to determine the role of this variant in disease. Therefore, it has been classified as a Variant of Uncertain Significance.

NM_016203.4(PRKAG2):c.719C>A (p.Ala240Asp)

Genes: PRKAG2 (protein kinase AMP-activated non-catalytic subunit gamma 2; minus strand), LOC129999660 (ATAC-STARR-seq lymphoblastoid silent region 18823; plus strand). Cytogenetic location: 7q36.1.
Variant type: single nucleotide variant.
Coding change: c.719C>A on transcript NM_016203.4 (MANE Select); coding-DNA position 719, C replaced by A.
Protein change: p.Ala240Asp; replaces alanine 240 with aspartic acid.
Molecular consequence: missense variant. On other transcripts: 5 prime UTR variant (7), intron variant (3).
Genome position (GRCh38, 1-based): chr7:151,632,104, G>T on the plus strand (C>A on the coding strand, the complement: PRKAG2 is on the minus strand). VCF-style: chr7-151632104-G-T. GRCh37 (hg19) VCF-style: chr7-151329190-G-T.
Other names: c.587C>A, p.Ala196Asp (NM_001040633.2, NM_001407024.1, NM_001407026.1 and 1 more transcripts); c.347C>A, p.Ala116Asp (NM_001304527.2, NM_001363698.2, NM_001407028.1 and 1 more transcripts); c.-5C>A (NM_001304531.2, NM_001407034.1, NM_001407035.1 and 4 more transcripts); c.719C>A, p.Ala240Asp (NM_001407021.1, NM_001407022.1, NM_001407023.1); c.401C>A, p.Ala134Asp (NM_001407032.1); c.395C>A, p.Ala132Asp (NM_001407033.1); c.47C>A, p.Ala16Asp (NM_001407038.1); c.467-36653C>A (NM_001407031.1); and 2 more; short protein forms A134D, A16D, A116D, A196D, A132D, A240D.
Identifiers: ClinVar variation 2959849 (VCV002959849.3), dbSNP rs1824657994, ClinGen allele CA370071275.